The following is an entry in ClinVar:

ClinVar aggregate classification (germline): Benign/Likely benign. Review status: criteria provided, multiple submitters, no conflicts (2 of 4 stars). 3 submissions from 3 submitters: Benign (1); Likely benign (1). 1 of the submissions does not count toward it. Last evaluated 2025-11-29.

Conditions:
GLI3-related disorder. Also called: GLI3-related condition; GLI3-related disorders. Identifiers: MedGen CN239292.
Pallister-Hall syndrome (PHS). Also called: GLI3-Related Pallister-Hall Syndrome; HYPOTHALAMIC HAMARTOBLASTOMA, HYPOPITUITARISM, IMPERFORATE ANUS, AND POSTAXIAL POLYDACTYLY. Identifiers: Orphanet 672, MedGen C0265220, MONDO:0007804, OMIM 146510.
Greig cephalopolysyndactyly syndrome (GCPS). Also called: POLYSYNDACTYLY WITH PECULIAR SKULL SHAPE; Greig syndrome; GLI3-Related Greig Cephalopolysyndactyly Syndrome. Identifiers: Orphanet 380, MedGen C0265306, MONDO:0008287, OMIM 175700.

Allele frequency attached by ClinVar (database versions not stated): gnomAD exomes 0.00007 and 0.00020; ExAC 0.00027; gnomAD 0.00077 and 0.00080; TOPMed 0.00082; 1000 Genomes Project 30x 0.00094; 1000 Genomes Project 0.00100; ESP Exome Variant Server 0.00100.
gnomAD v4.1: 227 of 1,610,294 alleles (0.014%); highest among the groups gnomAD compares: African/African-American, 0.27%; no homozygotes.

Submissions (3):

Labcorp Genetics (formerly Invitae), Labcorp
Classification: Benign for Pallister-Hall syndrome; Greig cephalopolysyndactyly syndrome. Last evaluated: 2025-11-29. Review status: criteria provided, single submitter. Criteria: Invitae Variant Classification Sherloc (09022015). Collection method: clinical testing. Allele origin: germline.

Blueprint Genetics
Classification: Likely benign. Last evaluated: 2021-08-11. Review status: criteria provided, single submitter. Criteria: ACMG Guidelines, 2015. Collection method: clinical testing. Allele origin: germline.

PreventionGenetics, part of Exact Sciences
Classification: Likely benign for GLI3-related condition. Last evaluated: 2024-02-28. Review status: no assertion criteria provided. Collection method: clinical testing. Allele origin: germline. Not counted in ClinVar's aggregate classification.
Comment: This variant is classified as likely benign based on ACMG/AMP sequence variant interpretation guidelines (Richards et al. 2015 PMID: 25741868, with internal and published modifications).

NM_000168.6(GLI3):c.1386G>A (p.Lys462=)

Gene: GLI3 (GLI family zinc finger 3; minus strand). Cytogenetic location: 7p14.1.
Variant type: single nucleotide variant.
Coding change: c.1386G>A on transcript NM_000168.6 (MANE Select); coding-DNA position 1386, G replaced by A.
Protein change: p.Lys462=; no amino-acid change (lysine 462 retained).
Molecular consequence: synonymous variant.
Genome position (GRCh38, 1-based): chr7:42,023,579, C>T on the plus strand (G>A on the coding strand, the complement: GLI3 is on the minus strand). VCF-style: chr7-42023579-C-T. GRCh37 (hg19) VCF-style: chr7-42063178-C-T.
Identifiers: ClinVar variation 703306 (VCV000703306.14), dbSNP rs150161845, ClinGen allele CA4230845.